The following is an entry in ClinVar:

ClinVar aggregate classification (germline): Conflicting classifications of pathogenicity. Review status: criteria provided, conflicting classifications (1 of 4 stars). 4 submissions from 4 submitters: Uncertain significance (3); Benign (1). Last evaluated 2025-05-27.

Conditions:
BAP1-related tumor predisposition syndrome (TPDS1). Also called: Tumor susceptibility linked to germline BAP1 mutations; BAP1 tumor predisposition syndrome; COMMON Syndrome; TUMOR PREDISPOSITION SYNDROME 1. Identifiers: Orphanet 289539, MedGen C3280492, MONDO:0013692, OMIM 614327.
Hereditary cancer-predisposing syndrome. Also called: Hereditary Cancer Syndrome; Neoplastic Syndromes, Hereditary; Tumor predisposition; Hereditary neoplastic syndrome. Identifiers: Orphanet 140162, MedGen C0027672, MeSH D009386, MONDO:0015356.

Allele frequency attached by ClinVar (database versions not stated): TOPMed below 0.00001; gnomAD 0.00001.
gnomAD v4.1: 1 of 1,613,718 alleles (0.000062%); highest among the groups gnomAD compares: African/African-American, 0.0013%; no homozygotes.

Submissions (4):

Ambry Genetics
Classification: Benign for Hereditary cancer-predisposing syndrome. Last evaluated: 2025-05-27. Review status: criteria provided, single submitter. Criteria: Ambry Variant Classification Scheme 2023. Collection method: clinical testing. Allele origin: germline.

Quest Diagnostics Nichols Institute San Juan Capistrano
Classification: Uncertain significance. Last evaluated: 2024-10-23. Review status: criteria provided, single submitter. Criteria: Quest Diagnostics criteria. Collection method: clinical testing. Allele origin: unknown.
Comment: The BAP1 c.1712G>A (p.Ser571Asn) variant has not been reported in individuals with BAP1-related conditions in the published literature. The frequency of this variant in the general population, 0.000032 (1/31382 chromosomes (Genome Aggregation Database)), is uninformative in the assessment of its pathogenicity. Analysis of this variant using bioinformatics tools for the prediction of the effect of amino acid changes on protein structure and function yielded predictions that this variant is benign. Based on the available information, we are unable to determine the clinical significance of this variant.

Labcorp Genetics (formerly Invitae), Labcorp
Classification: Uncertain significance for BAP1-related tumor predisposition syndrome. Last evaluated: 2024-03-29. Review status: criteria provided, single submitter. Criteria: Invitae Variant Classification Sherloc (09022015). Collection method: clinical testing. Allele origin: germline.
Comment: This sequence change replaces serine, which is neutral and polar, with asparagine, which is neutral and polar, at codon 571 of the BAP1 protein (p.Ser571Asn). This variant is present in population databases (no rsID available, gnomAD 0.01%). This variant has not been reported in the literature in individuals affected with BAP1-related conditions. ClinVar contains an entry for this variant (Variation ID: 489623). Advanced modeling of protein sequence and biophysical properties (such as structural, functional, and spatial information, amino acid conservation, physicochemical variation, residue mobility, and thermodynamic stability) performed at Invitae indicates that this missense variant is not expected to disrupt BAP1 protein function with a negative predictive value of 80%. In summary, the available evidence is currently insufficient to determine the role of this variant in disease. Therefore, it has been classified as a Variant of Uncertain Significance.

Color Diagnostics, LLC DBA Color Health
Classification: Uncertain significance for Hereditary cancer-predisposing syndrome. Last evaluated: 2024-03-06. Review status: criteria provided, single submitter. Criteria: ACMG Guidelines, 2015. Collection method: clinical testing. Allele origin: germline.
Comment: This missense variant replaces serine with asparagine at codon 571 of the BAP1 protein. Computational prediction suggests that this variant may not impact protein structure and function (internally defined REVEL score threshold <= 0.5, PMID: 27666373). To our knowledge, functional studies have not been reported for this variant. This variant has not been reported in individuals affected with hereditary cancer in the literature. This variant has been identified in 1/31382 chromosomes in the general population by the Genome Aggregation Database (gnomAD). The available evidence is insufficient to determine the role of this variant in disease conclusively. Therefore, this variant is classified as a Variant of Uncertain Significance.

Literature cited by the submitters: PubMed 38969833 (cited by Ambry Genetics).

NM_004656.4(BAP1):c.1712G>A (p.Ser571Asn)

Gene: BAP1 (BRCA1 associated deubiquitinase 1; minus strand). Cytogenetic location: 3p21.1.
Variant type: single nucleotide variant.
Coding change: c.1712G>A on transcript NM_004656.4 (MANE Select); coding-DNA position 1712, G replaced by A.
Protein change: p.Ser571Asn; replaces serine 571 with asparagine.
Molecular consequence: missense variant.
Genome position (GRCh38, 1-based): chr3:52,403,433, C>T on the plus strand (G>A on the coding strand, the complement: BAP1 is on the minus strand). VCF-style: chr3-52403433-C-T. GRCh37 (hg19) VCF-style: chr3-52437449-C-T.
Other names: c.1712G>A (LRG_529t1); short protein forms S571N.
Identifiers: ClinVar variation 489623 (VCV000489623.16), dbSNP rs909772484, ClinGen allele CA74740568.
Genomic context (GRCh38, chr3:52,403,433, plus strand): 5'-TCCTGGGTGCACCAAGTGGCCAGTGAGCCAGTCCAAGGCCCACCTGTCAGCGCCAGGGGA[C>T]TCAGCACCCCATCCTCAGCCAGGTGCAGCAGGCCTGTGCTGATGACAGGACCCAGATCAC-3'
Protein context (NP_004647.1, residues 561-581): LLHLAEDGVL[Ser571Asn]PLALTEGGKG